The following is an entry in ClinVar:

ClinVar aggregate classification (germline): Pathogenic (1 of 4 stars; one submission).

Conditions:
Cerebral cavernous malformation (CCM). Also called: CAVERNOUS ANGIOMA, FAMILIAL; CAVERNOUS ANGIOMATOUS MALFORMATIONS; CEREBRAL CAPILLARY MALFORMATIONS; Cavernous Hemangioma of Brain; Cerebral cavernous hemangioma (type); Cerebral cavernous malformations. Identifiers: Orphanet 221061, MedGen C2919945, MONDO:0000820, OMIM 116860, HP:0033522.

Submission:

Labcorp Genetics (formerly Invitae), Labcorp
Classification: Pathogenic for Cerebral cavernous malformation. Last evaluated: 2020-12-21. Review status: criteria provided, single submitter. Criteria: Invitae Variant Classification Sherloc (09022015). Collection method: clinical testing. Allele origin: germline.
Comment: For these reasons, this variant has been classified as Pathogenic. Loss-of-function variants in KRIT1 are known to be pathogenic (PMID: 10508515, 11222804, 12404106, 24689081). This variant has not been reported in the literature in individuals with KRIT1-related conditions. This variant is not present in population databases (ExAC no frequency). This sequence change creates a premature translational stop signal (p.Pro232Leufs*13) in the KRIT1 gene. It is expected to result in an absent or disrupted protein product.

Literature cited by the submitters: PubMed 10508515; PubMed 11222804; PubMed 12404106; PubMed 24689081.

NM_194454.3(KRIT1):c.695del (p.Pro232fs)

Gene: KRIT1 (KRIT1 ankyrin repeat containing; minus strand). Cytogenetic location: 7q21.2.
Variant type: Deletion.
Coding change: c.695del on transcript NM_194454.3 (MANE Select); coding-DNA position 695, one base deleted (C; older notation c.695delC).
Protein change: p.Pro232fs; shifts the reading frame from proline 232.
Molecular consequence: frameshift variant. On other transcripts: intron variant (1).
Genome position (GRCh38, 1-based): chr7:92,235,437, G deleted on the plus strand (C on the coding strand, the reverse complement: KRIT1 is on the minus strand); the first of 3 consecutive G bases (chr7:92,235,437-92,235,439); deleting any one gives the same sequence. VCF-style (leftmost placement, unchanged base first): chr7-92235436-AG-A. GRCh37 (hg19) VCF-style: chr7-91864750-AG-A.
Other names: c.695del, p.Pro232fs (NM_001013406.2, NM_001350669.1, NM_001350670.1 and 29 more transcripts); c.15+97del (NM_001350671.1); short protein forms P232fs.
Identifiers: ClinVar variation 857412 (VCV000857412.9), dbSNP rs1798228728, ClinGen allele CA916082304.